The following is an entry in ClinVar:

NM_000632.4(ITGAM):c.157G>A (p.Glu53Lys)

Genes: ITGAM (integrin subunit alpha M; plus strand), LOC126862331 (P300/CBP strongly-dependent group 1 enhancer GRCh37_chr16:31276375-31277574; plus strand). Cytogenetic location: 16p11.2.
Variant type: single nucleotide variant.
Coding change: c.157G>A on transcript NM_000632.4 (MANE Select); coding-DNA position 157, G replaced by A.
Protein change: p.Glu53Lys; replaces glutamic acid 53 with lysine.
Molecular consequence: missense variant.
Genome position (GRCh38, 1-based): chr16:31,265,417, G>A. VCF-style: chr16-31265417-G-A. GRCh37 (hg19) VCF-style: chr16-31276738-G-A.
Other names: c.157G>A, p.Glu53Lys (NM_001145808.2); short protein forms E53K.
Identifiers: ClinVar variation 3711256 (VCV003711256.2).

ClinVar aggregate classification (germline): Uncertain significance (1 of 4 stars; one submission).

Submission:

Labcorp Genetics (formerly Invitae), Labcorp
Classification: Uncertain significance. Last evaluated: 2024-05-10. Review status: criteria provided, single submitter. Criteria: Invitae Variant Classification Sherloc (09022015). Collection method: clinical testing. Allele origin: germline.
Comment: This sequence change replaces glutamic acid, which is acidic and polar, with lysine, which is basic and polar, at codon 53 of the ITGAM protein (p.Glu53Lys). This variant is not present in population databases (gnomAD no frequency). This variant has not been reported in the literature in individuals affected with ITGAM-related conditions. An algorithm developed to predict the effect of missense changes on protein structure and function (PolyPhen-2) suggests that this variant is likely to be disruptive. In summary, the available evidence is currently insufficient to determine the role of this variant in disease. Therefore, it has been classified as a Variant of Uncertain Significance.